The following is an entry in ClinVar:

NM_001943.5(DSG2):c.1959G>A (p.Met653Ile)

Gene: DSG2 (desmoglein 2; plus strand). Cytogenetic location: 18q12.1.
Variant type: single nucleotide variant.
Coding change: c.1959G>A on transcript NM_001943.5 (MANE Select); coding-DNA position 1959, G replaced by A.
Protein change: p.Met653Ile; replaces methionine 653 with isoleucine.
Molecular consequence: missense variant.
Genome position (GRCh38, 1-based): chr18:31,541,272, G>A. VCF-style: chr18-31541272-G-A. GRCh37 (hg19) VCF-style: chr18-29121235-G-A.
Other names: p.M653I:ATG>ATA; c.1959G>A (LRG_397t1); short protein forms M653I.
Identifiers: ClinVar variation 199814 (VCV000199814.14), dbSNP rs794728088, ClinGen allele CA021644.
Genomic context (GRCh38, chr18:31,541,272, plus strand): 5'-GATGTGCCATTGCGGAAAGGGCGCCAAAGGCTTTACCCCCATACCTGGCACCATAGAGAT[G>A]CTGCATCCTTGGAATAATGAAGGAGCACCACCTGAAGACAAGGTCAGTGGATCAGATGTC-3'
Protein context (NP_001934.2, residues 643-663): GFTPIPGTIE[Met653Ile]LHPWNNEGAP

ClinVar aggregate classification (germline): Uncertain significance. Review status: criteria provided, multiple submitters, no conflicts (2 of 4 stars). 6 submissions from 6 submitters: Uncertain significance (6). Last evaluated 2026-09-21.

Conditions:
Cardiovascular phenotype. Identifiers: MedGen CN230736.
Arrhythmogenic right ventricular cardiomyopathy (ARVD). Also called: Arrhythmogenic right ventricular dysplasia; Arrhythmogenic cardiomyopathy; Arrhythmogenic Right Ventricular Cardiomyopathy (ARVC); Cardiomyopathy, ARVC. Identifiers: Orphanet 247, MedGen C0349788, MeSH D019571, MONDO:0016587. Disease mechanism: loss of function. Inheritance: Various modes of inheritance.
Cardiomyopathy (CMYO). Also called: Cardiomyopathies. Identifiers: Orphanet 167848, MedGen C0878544, MONDO:0004994, HP:0001638. Inheritance: Various modes of inheritance.
Arrhythmogenic right ventricular dysplasia 10. Also called: Arrhythmogenic Right Ventricular Dysplasia/Cardiomyopathy10; ARRHYTHMOGENIC RIGHT VENTRICULAR DYSPLASIA, FAMILIAL, 10; Arrhythmogenic right ventricular dysplasia/cardiomyopathy, type 10. Identifiers: MedGen C1857777, MONDO:0012434, OMIM 610193.

Submissions (6):

Molecular Diagnostic Laboratory for Inherited Cardiovascular Disease, Montreal Heart Institute
Classification: Uncertain significance for Cardiovascular phenotype. Last evaluated: 2026-09-21. Review status: criteria provided, single submitter. Criteria: ACMG Guidelines, 2015. Collection method: clinical testing. Allele origin: germline. Affected: yes.
Comment: PM2

Labcorp Genetics (formerly Invitae), Labcorp
Classification: Uncertain significance for Arrhythmogenic right ventricular dysplasia 10. Last evaluated: 2025-08-18. Review status: criteria provided, single submitter. Criteria: Invitae Variant Classification Sherloc (09022015). Collection method: clinical testing. Allele origin: germline.
Comment: This sequence change replaces methionine, which is neutral and non-polar, with isoleucine, which is neutral and non-polar, at codon 653 of the DSG2 protein (p.Met653Ile). This variant is not present in population databases (gnomAD no frequency). This variant has not been reported in the literature in individuals affected with DSG2-related conditions. ClinVar contains an entry for this variant (Variation ID: 199814). Invitae Evidence Modeling of protein sequence and biophysical properties (such as structural, functional, and spatial information, amino acid conservation, physicochemical variation, residue mobility, and thermodynamic stability) has been performed for this missense variant. However, the output from this modeling did not meet the statistical confidence thresholds required to predict the impact of this variant on DSG2 protein function. In summary, the available evidence is currently insufficient to determine the role of this variant in disease. Therefore, it has been classified as a Variant of Uncertain Significance.

Color Diagnostics, LLC DBA Color Health
Classification: Uncertain significance for Cardiomyopathy. Last evaluated: 2024-03-06. Review status: criteria provided, single submitter. Criteria: ACMG Guidelines, 2015. Collection method: clinical testing. Allele origin: germline.
Comment: This missense variant replaces methionine with isoleucine at codon 653 of the DSG2 protein. Computational prediction suggests that this variant may not impact protein structure and function (internally defined REVEL score threshold <= 0.5, PMID: 27666373). To our knowledge, functional studies have not been reported for this variant. This variant has not been reported in individuals affected with cardiovascular disorders in the literature. This variant has not been identified in the general population by the Genome Aggregation Database (gnomAD). The available evidence is insufficient to determine the role of this variant in disease conclusively. Therefore, this variant is classified as a Variant of Uncertain Significance.

Ambry Genetics
Classification: Uncertain significance for Cardiovascular phenotype. Last evaluated: 2023-09-06. Review status: criteria provided, single submitter. Criteria: Ambry Variant Classification Scheme 2023. Collection method: clinical testing. Allele origin: germline.
Comment: The p.M653I variant (also known as c.1959G>A), located in coding exon 13 of the DSG2 gene, results from a G to A substitution at nucleotide position 1959. The methionine at codon 653 is replaced by isoleucine, an amino acid with highly similar properties. This amino acid position is conserved. In addition, the in silico prediction for this alteration is inconclusive. Since supporting evidence is limited at this time, the clinical significance of this alteration remains unclear.

All of Us Research Program, National Institutes of Health
Classification: Uncertain significance for Arrhythmogenic right ventricular cardiomyopathy. Last evaluated: 2023-03-09. Review status: criteria provided, single submitter. Criteria: ACMG Guidelines, 2015. Collection method: clinical testing. Allele origin: germline. Inheritance: Autosomal dominant inheritance. Observed: 1 variant allele, 1 heterozygote.
Comment: This missense variant replaces methionine with isoleucine at codon 653 of the DSG2 protein. Computational prediction suggests that this variant may not impact protein structure and function (internally defined REVEL score threshold <= 0.5, PMID: 27666373). To our knowledge, functional studies have not been reported for this variant. This variant has not been reported in individuals affected with cardiovascular disorders in the literature. This variant has not been identified in the general population by the Genome Aggregation Database (gnomAD). The available evidence is insufficient to determine the role of this variant in disease conclusively. Therefore, this variant is classified as a Variant of Uncertain Significance.

This study involves interpretation of variants in research participants for the purpose of population health screening. Participant phenotype was not available at the time of variant classification. Additional details can be found in publication PMID: 35346344, PMCID: PMC8962531

GeneDx
Classification: Uncertain significance. Last evaluated: 2014-06-19. Review status: criteria provided, single submitter. Criteria: GeneDx Variant Classification (06012015). Collection method: clinical testing. Allele origin: germline. Affected: yes.
Comment: p.Met653Ile (ATG>ATA): c.1959 G>A in exon 13 of the DSG2 gene (NM_001943.3). The M653I variant has not been published as a mutation, nor has it been reported as a benign polymorphism to our knowledge. The M653I variant was not observed in approximately 6,000 individuals of European and African American ancestry in the NHLBI Exome Sequencing Project, indicating it is not a common benign variant in these populations. The M653I variant is a conservative amino acid substitution, which is not likely to impact secondary protein structure as these residues share similar properties. This substitution occurs at a position that is conserved in mammals. In silico analysis is inconsistent in its predictions as to whether or not the variant is damaging to the protein structure/function, but at least two algorithms concur that this variant is possibly benign. Furthermore, no missense mutations in nearby residues have been reported in association with familial arrhythmia, indicating that this region of the protein may be tolerant of change. Therefore, based on the currently available information, it is unclear whether this variant is a pathogenic mutation or a rare benign variant. The variant is found in ARRHYTHMIA panel(s).